The following is an entry in ClinVar:

ClinVar aggregate classification (germline): Uncertain significance. Review status: criteria provided, multiple submitters, no conflicts (2 of 4 stars). 2 submissions from 2 submitters: Uncertain significance (2). Last evaluated 2025-04-29.

Conditions:
Charcot-Marie-Tooth Neuropathy X. Identifiers: MedGen CN118851.
Combined oxidative phosphorylation deficiency. Identifiers: MedGen C4540031, MONDO:0000732.

Allele frequency attached by ClinVar (database versions not stated): ExAC 0.00001; gnomAD exomes 0.00001 and 0.00004; gnomAD 0.00002 and 0.00003; TOPMed 0.00002; ESP Exome Variant Server 0.00009.
gnomAD v4.1: 46 of 1,209,668 alleles (0.0038%); highest among the groups gnomAD compares: Non-Finnish European, 0.0048%; no homozygotes.

Submissions (2):

GeneDx
Classification: Uncertain significance. Last evaluated: 2025-04-29. Review status: criteria provided, single submitter. Criteria: GeneDx Variant Classification Process June 2021. Collection method: clinical testing. Allele origin: germline. Affected: yes.
Comment: Not observed at significant frequency in large population cohorts (gnomAD); In silico analysis indicates that this missense variant does not alter protein structure/function; Has not been previously published as pathogenic or benign to our knowledge

Labcorp Genetics (formerly Invitae), Labcorp
Classification: Uncertain significance for Charcot-Marie-Tooth Neuropathy X; Combined oxidative phosphorylation deficiency. Last evaluated: 2025-01-06. Review status: criteria provided, single submitter. Criteria: Invitae Variant Classification Sherloc (09022015). Collection method: clinical testing. Allele origin: germline.
Comment: This sequence change replaces lysine, which is basic and polar, with glutamic acid, which is acidic and polar, at codon 63 of the AIFM1 protein (p.Lys63Glu). The frequency data for this variant in the population databases is considered unreliable, as metrics indicate poor data quality at this position in the gnomAD database. This variant has not been reported in the literature in individuals affected with AIFM1-related conditions. ClinVar contains an entry for this variant (Variation ID: 949708). Invitae Evidence Modeling of protein sequence and biophysical properties (such as structural, functional, and spatial information, amino acid conservation, physicochemical variation, residue mobility, and thermodynamic stability) indicates that this missense variant is not expected to disrupt AIFM1 protein function with a negative predictive value of 95%. In summary, the available evidence is currently insufficient to determine the role of this variant in disease. Therefore, it has been classified as a Variant of Uncertain Significance.

NM_004208.4(AIFM1):c.187A>G (p.Lys63Glu)

Genes: AIFM1 (apoptosis inducing factor mitochondria associated 1; minus strand), RAB33A (RAB33A, member RAS oncogene family; plus strand). Cytogenetic location: Xq26.1.
Variant type: single nucleotide variant.
Coding change: c.187A>G on transcript NM_004208.4 (MANE Select); coding-DNA position 187, A replaced by G.
Protein change: p.Lys63Glu; replaces lysine 63 with glutamic acid.
Molecular consequence: missense variant. On other transcripts: intron variant (1).
Genome position (GRCh38, 1-based): chrX:130,156,523, T>C on the plus strand (A>G on the coding strand, the complement: AIFM1 is on the minus strand). VCF-style: chrX-130156523-T-C. GRCh37 (hg19) VCF-style: chrX-129290497-T-C.
Other names: c.187A>G, p.Lys63Glu (NM_001130847.4); c.107-1237A>G (NM_145812.3); short protein forms K63E.
Identifiers: ClinVar variation 949708 (VCV000949708.10), dbSNP rs142864613, ClinGen allele CA10515521.